The following is an entry in ClinVar:

NM_000081.4(LYST):c.10397G>C (p.Gly3466Ala)

Gene: LYST (lysosomal trafficking regulator; minus strand). Cytogenetic location: 1q42.3.
Variant type: single nucleotide variant.
Coding change: c.10397G>C on transcript NM_000081.4 (MANE Select); coding-DNA position 10397, G replaced by C.
Protein change: p.Gly3466Ala; replaces glycine 3466 with alanine.
Molecular consequence: missense variant.
Genome position (GRCh38, 1-based): chr1:235,697,250, C>G on the plus strand (G>C on the coding strand, the complement: LYST is on the minus strand). VCF-style: chr1-235697250-C-G. GRCh37 (hg19) VCF-style: chr1-235860550-C-G.
Other names: c.10397G>C, p.Gly3466Ala (NM_001301365.1); short protein forms G3466A.
Identifiers: ClinVar variation 2049896 (VCV002049896.2), dbSNP rs2527285657, ClinGen allele CA344929411.

ClinVar aggregate classification (germline): Uncertain significance (1 of 4 stars; one submission).

Conditions:
Chédiak-Higashi syndrome (CHS). Also called: Chediak-Higashi Syndrome. Identifiers: Orphanet 167, MedGen C0007965, MONDO:0008963, OMIM 214500.

gnomAD v4.1: 1 of 1,613,690 alleles (0.000062%); highest among the groups gnomAD compares: East Asian, 0.0022%; no homozygotes.

Submission:

Labcorp Genetics (formerly Invitae), Labcorp
Classification: Uncertain significance for Chédiak-Higashi syndrome. Last evaluated: 2021-12-20. Review status: criteria provided, single submitter. Criteria: Invitae Variant Classification Sherloc (09022015). Collection method: clinical testing. Allele origin: germline.
Comment: This variant has not been reported in the literature in individuals affected with LYST-related conditions. This variant is not present in population databases (gnomAD no frequency). This sequence change replaces glycine, which is neutral and non-polar, with alanine, which is neutral and non-polar, at codon 3466 of the LYST protein (p.Gly3466Ala). Algorithms developed to predict the effect of missense changes on protein structure and function are either unavailable or do not agree on the potential impact of this missense change (SIFT: "Deleterious"; PolyPhen-2: "Benign"; Align-GVGD: "Class C0"). In summary, the available evidence is currently insufficient to determine the role of this variant in disease. Therefore, it has been classified as a Variant of Uncertain Significance.